The following is an entry in ClinVar:

NM_001009944.3(PKD1):c.8840A>C (p.His2947Pro)

Gene: PKD1 (polycystin 1, transient receptor potential channel interacting; minus strand). Cytogenetic location: 16p13.3.
Variant type: single nucleotide variant.
Coding change: c.8840A>C on transcript NM_001009944.3 (MANE Select); coding-DNA position 8840, A replaced by C.
Protein change: p.His2947Pro; replaces histidine 2947 with proline.
Molecular consequence: missense variant.
Genome position (GRCh38, 1-based): chr16:2,102,922, T>G on the plus strand (A>C on the coding strand, the complement: PKD1 is on the minus strand). VCF-style: chr16-2102922-T-G. GRCh37 (hg19) VCF-style: chr16-2152923-T-G.
Other names: c.8840A>C, p.His2947Pro (NM_000296.4); short protein forms H2947P.
Identifiers: ClinVar variation 3256679 (VCV003256679.3).
Genomic context (GRCh38, chr16:2,102,922, plus strand): 5'-GACTCTGGGCGGATCCTCCTGCTAGCCGAGCAGTTGTGCTCATTGGGCCGGGGCTCCGAG[T>G]GTAGGTAGACTGCCAGGTAGGGCTCAGGTTCCTCAGACAGGTAGTGGCCTGGGGCAGAAC-3'
Protein context (NP_001009944.3, residues 2937-2957): EPEPYLAVYL[His2947Pro]SEPRPNEHNC

ClinVar aggregate classification (germline): Uncertain significance. Review status: criteria provided, multiple submitters, no conflicts (2 of 4 stars). 3 submissions from 3 submitters: Uncertain significance (3). Last evaluated 2026-06-03.

Conditions:
Polycystic kidney disease, adult type (PKD1). Also called: Polycystic Kidney Disease 1, Autosomal Dominant; Polycystic kidney disease 1; Polycystic kidney disease 1, severe; Polycystic Kidney, Autosomal Dominant; POLYCYSTIC KIDNEY DISEASE, ADULT, TYPE I; POLYCYSTIC KIDNEY DISEASE 1 WITH OR WITHOUT POLYCYSTIC LIVER DISEASE. Identifiers: MedGen C3149841, MONDO:0008263, OMIM 173900.

Submissions (3):

Victorian Clinical Genetics Services, Murdoch Childrens Research Institute
Classification: Uncertain significance for Polycystic kidney disease, adult type. Last evaluated: 2026-06-03. Review status: criteria provided, single submitter. Criteria: ACMG Guidelines, 2015. Collection method: clinical testing. Allele origin: germline. Affected: yes.
Comment: This variant is classified as VUS-3A. Evidence in support of pathogenic classification: Variant is absent from gnomAD (v2, v3 and v4). Additional information: Variant is predicted to result in a missense amino acid change from His to Pro; This variant is heterozygous; This gene is associated with autosomal dominant disease. Polycystic kidney disease 1 (MIM#173900) is predominantly caused by monoallelic variants, with rare reports of biallelic variants causing disease (OMIM); Alternative amino acid change(s) at the same position are present in gnomAD (highest allele count: v4: 2 heterozygote(s), 0 homozygote(s)); Previous evidence of pathogenicity for this variant is inconclusive. This variant has been classified twice as a VUS by clinical laboratories in ClinVar; No published evidence of segregation with disease has been identified for this variant; No published functional evidence has been identified for this variant; No comparable missense variants have previous evidence for pathogenicity; Variant is not located in an established domain, motif, hotspot or informative constraint region; Missense variant with inconclusive in silico prediction and/or uninformative conservation; Loss of function is a known mechanism of disease in this gene and is associated with polycystic kidney disease 1 (MIM#173900). - Inheritance information for this variant is not currently available in this individual.

MVZ Medizinische Genetik Mainz
Classification: Uncertain significance for Polycystic kidney disease, adult type. Last evaluated: 2024-04-25. Review status: criteria provided, single submitter. Criteria: UK Practice Guidelines For Variant Classification V4 01 2020. Collection method: clinical testing. Allele origin: germline. Inheritance: Autosomal dominant inheritance. Affected: yes. Observed: 1 variant allele.
Comment: ACMG Criteria: PM2_SUP,PP4

Department of Pathology and Laboratory Medicine, Sinai Health System
Classification: Uncertain significance for Polycystic kidney disease, adult type. Last evaluated: 2019-11-04. Review status: criteria provided, single submitter. Criteria: ACMG Guidelines, 2015. Collection method: clinical testing. Allele origin: germline. Affected: yes.